The following is an entry in ClinVar:

NM_022765.4(MICAL1):c.3037G>C (p.Gly1013Arg)

Gene: MICAL1 (microtubule associated monooxygenase, calponin and LIM domain containing 1; minus strand). Cytogenetic location: 6q21.
Variant type: single nucleotide variant.
Coding change: c.3037G>C on transcript NM_022765.4 (MANE Select); coding-DNA position 3037, G replaced by C.
Protein change: p.Gly1013Arg; replaces glycine 1013 with arginine.
Molecular consequence: missense variant.
Genome position (GRCh38, 1-based): chr6:109,444,743, C>G on the plus strand (G>C on the coding strand, the complement: MICAL1 is on the minus strand). VCF-style: chr6-109444743-C-G. GRCh37 (hg19) VCF-style: chr6-109765946-C-G.
Other names: c.2779G>C, p.Gly927Arg (NM_001159291.2); c.3094G>C, p.Gly1032Arg (NM_001286613.2); short protein forms G927R, G1013R, G1032R.
Identifiers: ClinVar variation 4762282 (VCV004762282.1).

ClinVar aggregate classification (germline): Uncertain significance (1 of 4 stars; one submission).

gnomAD v4.1: 2 of 1,614,112 alleles (0.00012%); highest among the groups gnomAD compares: Admixed American, 0.0017%; no homozygotes.

Submission:

Labcorp Genetics (formerly Invitae), Labcorp
Classification: Uncertain significance. Last evaluated: 2025-03-23. Review status: criteria provided, single submitter. Criteria: Invitae Variant Classification Sherloc (09022015). Collection method: clinical testing. Allele origin: germline.
Comment: This sequence change replaces glycine, which is neutral and non-polar, with arginine, which is basic and polar, at codon 1032 of the MICAL1 protein (p.Gly1032Arg). This variant is present in population databases (no rsID available, gnomAD 0.003%). This variant has not been reported in the literature in individuals affected with MICAL1-related conditions. An algorithm developed to predict the effect of missense changes on protein structure and function (PolyPhen-2) suggests that this variant is likely to be tolerated. In summary, the available evidence is currently insufficient to determine the role of this variant in disease. Therefore, it has been classified as a Variant of Uncertain Significance.